The following is an entry in ClinVar:

NM_005876.5(SPEG):c.2043G>C (p.Gly681=)

Gene: SPEG (striated muscle enriched protein kinase; plus strand). Cytogenetic location: 2q35.
Variant type: single nucleotide variant.
Coding change: c.2043G>C on transcript NM_005876.5 (MANE Select); coding-DNA position 2043, G replaced by C.
Protein change: p.Gly681=; no amino-acid change (glycine 681 retained).
Molecular consequence: synonymous variant.
Genome position (GRCh38, 1-based): chr2:219,449,201, G>C. VCF-style: chr2-219449201-G-C. GRCh37 (hg19) VCF-style: chr2-220313923-G-C.
Identifiers: ClinVar variation 3041298 (VCV003041298.6), dbSNP rs1338208388, ClinGen allele CA431429635.

ClinVar aggregate classification (germline): Likely benign. Review status: criteria provided, single submitter (1 of 4 stars). 2 submissions from 2 submitters: Likely benign (1). 1 of the submissions does not count toward it. Last evaluated 2026-03-01.

Conditions:
SPEG-related disorder. Also called: SPEG-related condition.

gnomAD v4.1: 1 of 1,393,966 alleles (0.000072%); highest among the groups gnomAD compares: Non-Finnish European, 0.000093%; no homozygotes.

Submissions (2):

CeGaT Center for Human Genetics Tuebingen
Classification: Likely benign. Last evaluated: 2026-03-01. Review status: criteria provided, single submitter. Criteria: CeGaT Center For Human Genetics Tuebingen Variant Classification Criteria Version 2. Collection method: clinical testing. Allele origin: germline. Affected: yes. Observed: 1 variant allele.
Comment: SPEG: BP4, BP7

PreventionGenetics, part of Exact Sciences
Classification: Likely benign for SPEG-related condition. Last evaluated: 2019-06-26. Review status: no assertion criteria provided. Collection method: clinical testing. Allele origin: germline. Not counted in ClinVar's aggregate classification.
Comment: This variant is classified as likely benign based on ACMG/AMP sequence variant interpretation guidelines (Richards et al. 2015 PMID: 25741868, with internal and published modifications).